The following is an entry in ClinVar:

ClinVar aggregate classification (germline): Uncertain significance (1 of 4 stars; one submission).

Submission:

Labcorp Genetics (formerly Invitae), Labcorp
Classification: Uncertain significance. Last evaluated: 2021-07-26. Review status: criteria provided, single submitter. Criteria: Invitae Variant Classification Sherloc (09022015). Collection method: clinical testing. Allele origin: germline.
Comment: Algorithms developed to predict the effect of missense changes on protein structure and function (SIFT, PolyPhen-2, Align-GVGD) all suggest that this variant is likely to be tolerated. In summary, the available evidence is currently insufficient to determine the role of this variant in disease. Therefore, it has been classified as a Variant of Uncertain Significance. This variant has not been reported in the literature in individuals affected with IL6R-related conditions. This variant is not present in population databases (ExAC no frequency). This sequence change replaces arginine with glycine at codon 346 of the IL6R protein (p.Arg346Gly). The arginine residue is weakly conserved and there is a moderate physicochemical difference between arginine and glycine.

NM_000565.4(IL6R):c.1036A>G (p.Arg346Gly)

Gene: IL6R (interleukin 6 receptor; plus strand). Cytogenetic location: 1q21.3.
Variant type: single nucleotide variant.
Coding change: c.1036A>G on transcript NM_000565.4 (MANE Select); coding-DNA position 1036, A replaced by G.
Protein change: p.Arg346Gly; replaces arginine 346 with glycine.
Molecular consequence: missense variant.
Genome position (GRCh38, 1-based): chr1:154,449,950, A>G. VCF-style: chr1-154449950-A-G. GRCh37 (hg19) VCF-style: chr1-154422426-A-G.
Other names: c.1036A>G, p.Arg346Gly (NM_001382769.1, NM_181359.3); c.1129A>G, p.Arg377Gly (NM_001382770.1); c.1084A>G, p.Arg362Gly (NM_001382771.1, NM_001382773.1); c.1030A>G, p.Arg344Gly (NM_001382772.1); c.676A>G, p.Arg226Gly (NM_001382774.1); short protein forms R346G, R362G, R344G, R377G, R226G.
Identifiers: ClinVar variation 1429248 (VCV001429248.8), dbSNP rs2149263604, ClinGen allele CA342623563.
Genomic context (GRCh38, chr1:154,449,950, plus strand): 5'-GGTGAGGAATGTCTCTTTTAGGCACTTACTACTAATAAAGACGATGATAATATTCTCTTC[A>G]GAGATTCTGCAAATGCGACAAGCCTCCCAGGTAAGGACTGGGTATTTTCATATTCCCAGG-3'
Protein context (NP_000556.1, residues 336-356): TNKDDDNILF[Arg346Gly]DSANATSLPV